The following is an entry in ClinVar:

NM_014000.3(VCL):c.2659G>A (p.Glu887Lys)

Gene: VCL (vinculin; plus strand). Cytogenetic location: 10q22.2.
Variant type: single nucleotide variant.
Coding change: c.2659G>A on transcript NM_014000.3 (MANE Select); coding-DNA position 2659, G replaced by A.
Protein change: p.Glu887Lys; replaces glutamic acid 887 with lysine.
Molecular consequence: missense variant.
Genome position (GRCh38, 1-based): chr10:74,109,070, G>A. VCF-style: chr10-74109070-G-A. GRCh37 (hg19) VCF-style: chr10-75868828-G-A.
Other names: c.2659G>A, p.Glu887Lys (NM_003373.4); short protein forms E887K.
Identifiers: ClinVar variation 2159090 (VCV002159090.4), dbSNP rs2549234318, ClinGen allele CA377264304.

ClinVar aggregate classification (germline): Uncertain significance (1 of 4 stars; one submission).

Conditions:
Dilated cardiomyopathy 1W (CMD1W). Identifiers: Orphanet 154, MedGen C1969639, MONDO:0012667, OMIM 611407.

Submission:

Labcorp Genetics (formerly Invitae), Labcorp
Classification: Uncertain significance for Dilated cardiomyopathy 1W. Last evaluated: 2024-10-28. Review status: criteria provided, single submitter. Criteria: Invitae Variant Classification Sherloc (09022015). Collection method: clinical testing. Allele origin: germline.
Comment: This sequence change replaces glutamic acid, which is acidic and polar, with lysine, which is basic and polar, at codon 887 of the VCL protein (p.Glu887Lys). This variant is not present in population databases (gnomAD no frequency). This variant has not been reported in the literature in individuals affected with VCL-related conditions. ClinVar contains an entry for this variant (Variation ID: 2159090). An algorithm developed to predict the effect of missense changes on protein structure and function (PolyPhen-2) suggests that this variant is likely to be disruptive. In summary, the available evidence is currently insufficient to determine the role of this variant in disease. Therefore, it has been classified as a Variant of Uncertain Significance.